The following is an entry in ClinVar:

ClinVar aggregate classification (germline): Likely benign (1 of 4 stars; one submission).

Allele frequency attached by ClinVar (database versions not stated): ExAC 0.00001; gnomAD 0.00001; gnomAD exomes 0.00001; TOPMed 0.00002; ESP Exome Variant Server 0.00008.
gnomAD v4.1: 10 of 1,610,712 alleles (0.00062%); highest among the groups gnomAD compares: African/African-American, 0.0053%; no homozygotes.

Submission:

CeGaT Center for Human Genetics Tuebingen
Classification: Likely benign. Last evaluated: 2022-11-01. Review status: criteria provided, single submitter. Criteria: CeGaT Center For Human Genetics Tuebingen Variant Classification Criteria Version 2. Collection method: clinical testing. Allele origin: germline. Affected: yes. Observed: 1 variant allele.
Comment: ABL1: BP4

NM_005157.6(ABL1):c.2807G>A (p.Ser936Asn)

Gene: ABL1 (ABL proto-oncogene 1, non-receptor tyrosine kinase; plus strand). Cytogenetic location: 9q34.12.
Variant type: single nucleotide variant.
Coding change: c.2807G>A on transcript NM_005157.6 (MANE Select); coding-DNA position 2807, G replaced by A.
Protein change: p.Ser936Asn; replaces serine 936 with asparagine.
Molecular consequence: missense variant.
Genome position (GRCh38, 1-based): chr9:130,885,097, G>A. VCF-style: chr9-130885097-G-A. GRCh37 (hg19) VCF-style: chr9-133760484-G-A.
Other names: c.2864G>A, p.Ser955Asn (NM_007313.3); short protein forms S936N, S955N.
Identifiers: ClinVar variation 2659614 (VCV002659614.24), dbSNP rs376821640, ClinGen allele CA5285779.